The following is an entry in ClinVar:

NM_000492.4(CFTR):c.2086_2089del (p.Lys696fs)

Gene: CFTR (CF transmembrane conductance regulator; plus strand). Cytogenetic location: 7q31.2.
Variant type: Deletion.
Coding change: c.2086_2089del on transcript NM_000492.4 (MANE Select); coding-DNA positions 2086 to 2089, 4 bases deleted (AAAA; older notation c.2086_2089delAAAA).
Protein change: p.Lys696fs; shifts the reading frame from lysine 696.
Molecular consequence: frameshift variant.
Genome position (GRCh38, 1-based): chr7:117,592,253-117,592,256, AAAA deleted; deleting any 4 consecutive bases within chr7:117,592,251-117,592,256 gives the same sequence; the c. name uses the placement nearest the transcript's 3' end. VCF-style (leftmost placement, unchanged base first): chr7-117592250-GAAAA-G. GRCh37 (hg19) VCF-style: chr7-117232304-GAAAA-G.
Other names: c.2086_2089delAAAA, p.Lys696Glyfs (NM_000492.3); short protein forms K696fs.
Identifiers: ClinVar variation 3572099 (VCV003572099.1).

ClinVar aggregate classification (germline): Pathogenic (1 of 4 stars; one submission).

Submission:

Quest Diagnostics Nichols Institute San Juan Capistrano
Classification: Pathogenic. Last evaluated: 2024-11-30. Review status: criteria provided, single submitter. Criteria: Quest Diagnostics criteria. Collection method: clinical testing. Allele origin: unknown.
Comment: The CFTR c.2086_2089del (p.Lys696Glyfs*25) variant alters the translational reading frame of the CFTR mRNA and causes the premature termination of CFTR protein synthesis. This variant has not been reported in individuals with CFTR-related conditions in the published literature. This variant has not been reported in large, multi-ethnic general populations (Genome Aggregation Database). Based on the available information, this variant is classified as pathogenic.